The following is an entry in ClinVar:

NM_002335.4(LRP5):c.3070_3071del (p.Arg1024fs)

Gene: LRP5 (LDL receptor related protein 5; plus strand). Cytogenetic location: 11q13.2.
Variant type: Deletion.
Coding change: c.3070_3071del on transcript NM_002335.4 (MANE Select); coding-DNA positions 3070 to 3071, 2 bases deleted (AG; older notation c.3070_3071delAG).
Protein change: p.Arg1024fs; shifts the reading frame from arginine 1024.
Molecular consequence: frameshift variant.
Genome position (GRCh38, 1-based): chr11:68,423,531-68,423,532, AG deleted. VCF-style (leftmost placement, unchanged base first): chr11-68423530-CAG-C. GRCh37 (hg19) VCF-style: chr11-68190998-CAG-C.
Other names: c.1327_1328del, p.Arg443fs (NM_001291902.2); short protein forms R1024fs, R443fs.
Identifiers: ClinVar variation 2635159 (VCV002635159.2), dbSNP rs2496815141, ClinGen allele CA2695198920.

ClinVar aggregate classification (germline): Pathogenic/Likely pathogenic. Review status: criteria provided, multiple submitters, no conflicts (2 of 4 stars). 2 submissions from 2 submitters: Pathogenic (1); Likely pathogenic (1). Last evaluated 2026-07-01.

Conditions:
LRP5-related disorder. Also called: LRP5-related condition.

Submissions (2):

CeGaT Center for Human Genetics Tuebingen
Classification: Pathogenic. Last evaluated: 2026-07-01. Review status: criteria provided, single submitter. Criteria: CeGaT Center For Human Genetics Tuebingen Variant Classification Criteria Version 2. Collection method: clinical testing. Allele origin: germline. Affected: yes. Observed: 1 variant allele.
Comment: LRP5: PVS1, PM2

PreventionGenetics, part of Exact Sciences
Classification: Likely pathogenic for LRP5-related condition. Last evaluated: 2023-01-04. Review status: criteria provided, single submitter. Criteria: ACMG Guidelines, 2015. Collection method: clinical testing. Allele origin: germline.
Comment: The LRP5 c.3070_3071delAG variant is predicted to result in a frameshift and premature protein termination (p.Arg1024Alafs*113). To our knowledge, this variant has not been reported in the literature or in a large population database, indicating this variant is rare. Frameshift variants in LRP5 are expected to be pathogenic. This variant is interpreted as likely pathogenic.